The following is an entry in ClinVar:

ClinVar aggregate classification (germline): Pathogenic (1 of 4 stars; one submission).

Conditions:
Vici syndrome (VICIS). Identifiers: Orphanet 1493, MedGen C1855772, MONDO:0009452, OMIM 242840.

Submission:

Labcorp Genetics (formerly Invitae), Labcorp
Classification: Pathogenic for Vici syndrome. Last evaluated: 2024-02-02. Review status: criteria provided, single submitter. Criteria: Invitae Variant Classification Sherloc (09022015). Collection method: clinical testing. Allele origin: germline.
Comment: This sequence change creates a premature translational stop signal (p.Glu1002Valfs*33) in the EPG5 gene. It is expected to result in an absent or disrupted protein product. Loss-of-function variants in EPG5 are known to be pathogenic (PMID: 23222957, 23674064). This variant is present in population databases (no rsID available, gnomAD 0.007%). This variant has not been reported in the literature in individuals affected with EPG5-related conditions. For these reasons, this variant has been classified as Pathogenic.

Literature cited by the submitters: PubMed 23222957; PubMed 23674064.

NM_020964.3(EPG5):c.3005_3006del (p.Glu1002fs)

Gene: EPG5 (ectopic P-granules 5 autophagy tethering factor; minus strand). Cytogenetic location: 18q21.1.
Variant type: Microsatellite.
Coding change: c.3005_3006del on transcript NM_020964.3 (MANE Select); coding-DNA positions 3005 to 3006, 2 bases deleted (AG; older notation c.3005_3006delAG).
Protein change: p.Glu1002fs; shifts the reading frame from glutamic acid 1002.
Molecular consequence: frameshift variant.
Genome position (GRCh38, 1-based): chr18:45,922,433-45,922,434, CT deleted on the plus strand (AG on the coding strand, the reverse complement: EPG5 is on the minus strand); deleting any 2 consecutive bases within chr18:45,922,433-45,922,436 gives the same sequence; the c. name uses the placement nearest the transcript's 3' end. VCF-style (leftmost placement, unchanged base first): chr18-45922432-ACT-A. GRCh37 (hg19) VCF-style: chr18-43502398-ACT-A.
Other names: c.3005_3006del, p.Glu1002fs (NM_001410858.1, NM_001410859.1); short protein forms E1002fs.
Identifiers: ClinVar variation 3693022 (VCV003693022.2).